The following is an entry in ClinVar:

NM_207037.2(TCF12):c.580-11601G>C

Gene: TCF12 (transcription factor 12; plus strand). Cytogenetic location: 15q21.3.
Variant type: single nucleotide variant.
Coding change: c.580-11601G>C on transcript NM_207037.2 (MANE Select); 11601 bases into the intron before coding-DNA position 580, G replaced by C.
Molecular consequence: intron variant. On other transcripts: missense variant (2), 5 prime UTR variant (1).
Genome position (GRCh38, 1-based): chr15:57,219,551, G>C. VCF-style: chr15-57219551-G-C. GRCh37 (hg19) VCF-style: chr15-57511749-G-C.
Other names: c.30G>C, p.Met10Ile (NM_001306219.3, NM_207040.2); c.-29G>C (NM_001306220.3); c.580-11601G>C (NM_001322151.2, NM_001322159.3, NM_001322157.3 and 7 more transcripts); c.406-11601G>C (NM_001322156.2, NM_001322158.2); c.-78-11601G>C (NM_001322154.2); c.616-11601G>C (NM_001322164.2); short protein forms M10I.
Identifiers: ClinVar variation 3032004 (VCV003032004.2), dbSNP rs199574564, ClinGen allele CA7580947.

ClinVar aggregate classification (germline): Likely benign (0 of 4 stars; one submission).

Conditions:
TCF12-related disorder. Also called: TCF12-related condition.

Allele frequency attached by ClinVar (database versions not stated): gnomAD exomes 0.00003; ExAC 0.00015; gnomAD 0.00041; TOPMed 0.00044; ESP Exome Variant Server 0.00058; 1000 Genomes Project 30x 0.00125; 1000 Genomes Project 0.00160.
gnomAD v4.1: 107 of 1,613,444 alleles (0.0066%); highest among the groups gnomAD compares: African/African-American, 0.13%; no homozygotes.

Submission:

PreventionGenetics, part of Exact Sciences
Classification: Likely benign for TCF12-related condition. Last evaluated: 2021-03-04. Review status: no assertion criteria provided. Collection method: clinical testing. Allele origin: germline.
Comment: This variant is classified as likely benign based on ACMG/AMP sequence variant interpretation guidelines (Richards et al. 2015 PMID: 25741868, with internal and published modifications).